The following is an entry in ClinVar:

NM_000214.3(JAG1):c.818A>T (p.His273Leu)

Gene: JAG1 (jagged canonical Notch ligand 1; minus strand). Cytogenetic location: 20p12.2.
Variant type: single nucleotide variant.
Coding change: c.818A>T on transcript NM_000214.3 (MANE Select); coding-DNA position 818, A replaced by T.
Protein change: p.His273Leu; replaces histidine 273 with leucine.
Molecular consequence: missense variant.
Genome position (GRCh38, 1-based): chr20:10,652,536, T>A on the plus strand (A>T on the coding strand, the complement: JAG1 is on the minus strand). VCF-style: chr20-10652536-T-A. GRCh37 (hg19) VCF-style: chr20-10633184-T-A.
Other names: short protein forms H273L.
Identifiers: ClinVar variation 3573378 (VCV003573378.2).

Conditions:
Arteriohepatic dysplasia. Also called: Alagille Syndrome. Identifiers: Orphanet 52, MedGen C0085280, MeSH D016738, MONDO:0007318.

Submission:

Gilbert/Spinner Lab, Children's Hospital of Philadelphia
No classification provided (evidence only). Condition: Alagille syndrome. Review status: no classification provided. Collection method: research. Allele origin: not applicable. Functional consequence: functionally_abnormal.
ClinVar note: "not provided" was previously submitted as the classification for the variant. However, the classification appeared to be based only on an observation of functional data so it was converted to no classification on 2025-07-30.